The following is an entry in ClinVar:

NM_024009.3(GJB3):c.292C>A (p.Arg98Ser)

Gene: GJB3 (gap junction protein beta 3; plus strand). Cytogenetic location: 1p34.3.
Variant type: single nucleotide variant.
Coding change: c.292C>A on transcript NM_024009.3 (MANE Select); coding-DNA position 292, C replaced by A.
Protein change: p.Arg98Ser; replaces arginine 98 with serine.
Molecular consequence: missense variant.
Genome position (GRCh38, 1-based): chr1:34,785,054, C>A. VCF-style: chr1-34785054-C-A. GRCh37 (hg19) VCF-style: chr1-35250655-C-A.
Other names: c.292C>A, p.Arg98Ser (NM_001005752.2); short protein forms R98S.
Identifiers: ClinVar variation 2777304 (VCV002777304.3), dbSNP rs151179820, ClinGen allele CA20571364.

ClinVar aggregate classification (germline): Uncertain significance (1 of 4 stars; one submission).

Allele frequency attached by ClinVar (database versions not stated): 1000 Genomes Project 30x 0.00016; 1000 Genomes Project 0.00020.
gnomAD v4.1: 4 of 1,614,122 alleles (0.00025%); highest among the groups gnomAD compares: East Asian, 0.0022%; no homozygotes.

Submission:

Labcorp Genetics (formerly Invitae), Labcorp
Classification: Uncertain significance. Last evaluated: 2023-10-14. Review status: criteria provided, single submitter. Criteria: Invitae Variant Classification Sherloc (09022015). Collection method: clinical testing. Allele origin: germline.
Comment: This sequence change replaces arginine, which is basic and polar, with serine, which is neutral and polar, at codon 98 of the GJB3 protein (p.Arg98Ser). This variant is not present in population databases (gnomAD no frequency). This variant has not been reported in the literature in individuals affected with GJB3-related conditions. Advanced modeling of protein sequence and biophysical properties (such as structural, functional, and spatial information, amino acid conservation, physicochemical variation, residue mobility, and thermodynamic stability) performed at Invitae indicates that this missense variant is not expected to disrupt GJB3 protein function. In summary, the available evidence is currently insufficient to determine the role of this variant in disease. Therefore, it has been classified as a Variant of Uncertain Significance.